The following is an entry in ClinVar:

ClinVar aggregate classification (germline): Uncertain significance (1 of 4 stars; one submission).

Conditions:
MHC class I deficiency. Identifiers: Orphanet 34592, MedGen C6024714, MONDO:0011476.

Submission:

Labcorp Genetics (formerly Invitae), Labcorp
Classification: Uncertain significance for MHC class I deficiency 1. Last evaluated: 2024-02-01. Review status: criteria provided, single submitter. Criteria: Invitae Variant Classification Sherloc (09022015). Collection method: clinical testing. Allele origin: germline.
Comment: This sequence change results in a frameshift in the TAPBP gene (p.Trp432Glyfs*42). While this is not anticipated to result in nonsense mediated decay, it is expected to disrupt the last 17 amino acid(s) of the TAPBP protein and extend the protein by 24 additional amino acid residues. This variant is not present in population databases (gnomAD no frequency). This variant has not been reported in the literature in individuals affected with TAPBP-related conditions. Experimental studies and prediction algorithms are not available or were not evaluated, and the functional significance of this variant is currently unknown. In summary, the available evidence is currently insufficient to determine the role of this variant in disease. Therefore, it has been classified as a Variant of Uncertain Significance.

NM_003190.5(TAPBP):c.1293del (p.Trp432fs)

Gene: TAPBP (TAP binding protein; minus strand). Cytogenetic location: 6p21.32.
Variant type: Deletion.
Coding change: c.1293del on transcript NM_003190.5 (MANE Select); coding-DNA position 1293, one base deleted (C; older notation c.1293delC).
Protein change: p.Trp432fs; shifts the reading frame from tryptophan 432.
Molecular consequence: frameshift variant.
Genome position (GRCh38, 1-based): chr6:33,304,135, G deleted on the plus strand (C on the coding strand, the reverse complement: TAPBP is on the minus strand). VCF-style (leftmost placement, unchanged base first): chr6-33304134-AG-A. GRCh37 (hg19) VCF-style: chr6-33271911-AG-A.
Other names: c.1293del, p.Trp432fs (NM_001410875.1, NM_172208.3); c.1032del, p.Trp345fs (NM_172209.3); short protein forms W432fs, W345fs.
Identifiers: ClinVar variation 3638151 (VCV003638151.2).